The following is an entry in ClinVar:

ClinVar aggregate classification (germline): Pathogenic (1 of 4 stars; one submission).

Submission:

GeneDx
Classification: Pathogenic. Last evaluated: 2012-08-30. Review status: criteria provided, single submitter. Criteria: GeneDx Variant Classification (06012015). Collection method: clinical testing. Allele origin: germline. Affected: yes.
Comment: p.Ala337Thr (GCA>ACA):c.1009 G>A in exon 7 of the KCNQ2 gene (NM_172107.2)The Ala337Thr missense change has not been published as a mutation, nor has it been reported as a benign polymorphism to our knowledge. The NHLBI ESP Exome Variant Project has not identified Ala337Thr in approximately 6,500 individuals of European or African American ethnicity, indicating that it is not a common benign variant in these populations. The amino acid substitution is non-conservative, as a non-polar Alanine residue is replaced by a polar Threonine residue. Ala337Thr alters a highly conserved position in the C-terminal domain, and other missense mutations in this region of the protein have been identified in patients with benign familial neonatal seizures (BFNS) (Singh et al., 2003). Additionally, multiple in silico algorithms predict Ala337Thr is likely damaging to protein structure/function. Therefore, based on the currently available information, Ala337Thr is a strong candidate to be a disease-causing mutation, although the possibility that it is a benign variant cannot be excluded. The variant is found in INFANT-EPI panel(s).

NM_172107.4(KCNQ2):c.1009G>A (p.Ala337Thr)

Gene: KCNQ2 (potassium voltage-gated channel subfamily Q member 2; minus strand). Cytogenetic location: 20q13.33.
Variant type: single nucleotide variant.
Coding change: c.1009G>A on transcript NM_172107.4 (MANE Select); coding-DNA position 1009, G replaced by A.
Protein change: p.Ala337Thr; replaces alanine 337 with threonine.
Molecular consequence: missense variant.
Genome position (GRCh38, 1-based): chr20:63,438,639, C>T on the plus strand (G>A on the coding strand, the complement: KCNQ2 is on the minus strand). VCF-style: chr20-63438639-C-T. GRCh37 (hg19) VCF-style: chr20-62069992-C-T.
Other names: p.A337T:GCA>ACA; c.1009G>A, p.Ala337Thr (NM_004518.6, NM_172106.3, NM_172108.5 and 1 more transcripts); short protein forms A337T.
Identifiers: ClinVar variation 205893 (VCV000205893.2), dbSNP rs796052642, ClinGen allele CA315420.